The following is an entry in ClinVar:

ClinVar aggregate classification (germline): Benign/Likely benign. Review status: criteria provided, multiple submitters, no conflicts (2 of 4 stars). 9 submissions from 7 submitters: Benign (4); Likely benign (4). 1 of the submissions does not count toward it. Last evaluated 2026-02-04.

Conditions:
Obesity. Also called: Obesity disorder. Identifiers: Orphanet 71529, MedGen C0028754, MeSH D009765, MONDO:0011122, HP:0001513.
PPARG-related familial partial lipodystrophy. Also called: LIPODYSTROPHY, FAMILIAL PARTIAL, ASSOCIATED WITH PPARG MUTATIONS. Identifiers: Orphanet 79083, MedGen C1720861, MONDO:0011448, OMIM 604367.
INSULIN RESISTANCE, DIGENIC. Identifiers: MedGen C4016738.

Allele frequency attached by ClinVar (database versions not stated): 1000 Genomes Project 30x 0.06902; 1000 Genomes Project 0.07029; TOPMed 0.08046; gnomAD 0.08816 and 0.08996; gnomAD exomes 0.11006; ExAC 0.11014.
gnomAD v4.1: 181,875 of 1,609,512 alleles (11%); highest among the groups gnomAD compares: South Asian, 12%; 11,398 homozygotes.

Submissions (9):

Labcorp Genetics (formerly Invitae), Labcorp
Classification: Benign. Last evaluated: 2026-02-04. Review status: criteria provided, single submitter. Criteria: Invitae Variant Classification Sherloc (09022015). Collection method: clinical testing. Allele origin: germline.

Blueprint Genetics
Classification: Benign. Last evaluated: 2024-11-26. Review status: criteria provided, single submitter. Criteria: ACMG Guidelines, 2015. Collection method: clinical testing. Allele origin: germline.

Mayo Clinic Laboratories, Mayo Clinic
Classification: Benign. Last evaluated: 2024-03-26. Review status: criteria provided, single submitter. Criteria: ACMG Guidelines, 2015. Collection method: clinical testing. Allele origin: germline. Observed: 22 variant alleles.
Comment: BA1

GeneDx
Classification: Benign. Last evaluated: 2021-06-09. Review status: criteria provided, single submitter. Criteria: GeneDx Variant Classification Process June 2021. Collection method: clinical testing. Allele origin: germline. Affected: yes.
Comment: This variant is associated with the following publications: (PMID: 26049557, 26025336, 26273662, 25216344, 24319532, 23300871, 22800638, 24141935, 23633103, 28386678, 29632382, 28924543, 24447396, 11289055, 26551672, 23666678, 27398621, 11289057, 9792554, 21155004, 25157153, 22276212, 20591056, 17495181, 20930717, 9806549, 10973253, 10873398, 21833536, 20450366, 22378291, 10851250, 21795447, 20623456, 22575725, 19465486, 20368233, 21508507, 20424228, 12974743, 19178525, 22168210, 17187763, 22958899, 23161442)

Illumina Laboratory Services, Illumina
Classification: Likely benign for PPARG-related familial partial lipodystrophy. Last evaluated: 2017-04-27. Review status: criteria provided, single submitter. Criteria: ICSL Variant Classification Criteria 13 December 2019. Collection method: clinical testing. Allele origin: germline.
Comment: This variant was observed as part of a predisposition screen in an ostensibly healthy population. A literature search was performed for the gene, cDNA change, and amino acid change (where applicable). Publications were found based on this search. The evidence from the literature, in combination with allele frequency data from public databases where available, was sufficient to determine this variant is unlikely to cause disease. Therefore, this variant is classified as likely benign.

Illumina Laboratory Services, Illumina
Classification: Likely benign for Inherited obesity. Last evaluated: 2017-04-27. Review status: criteria provided, single submitter. Criteria: ICSL Variant Classification Criteria 13 December 2019. Collection method: clinical testing. Allele origin: germline.
Comment: This variant was observed as part of a predisposition screen in an ostensibly healthy population. A literature search was performed for the gene, cDNA change, and amino acid change (where applicable). No publications were found based on this search. Allele frequency data from public databases allowed determination this variant is unlikely to cause disease. Therefore, this variant is classified as likely benign.

Illumina Laboratory Services, Illumina
Classification: Likely benign for Diabetes Mellitus, Noninsulin-Dependent, with Acanthosis Nigricans and Hypertension. Last evaluated: 2017-04-27. Review status: criteria provided, single submitter. Criteria: ICSL Variant Classification Criteria 13 December 2019. Collection method: clinical testing. Allele origin: germline.
Comment: the same text as in the submission from Illumina Laboratory Services, Illumina above.

Breakthrough Genomics
Classification: Likely benign. Review status: criteria provided, single submitter. Criteria: ACMG Guidelines, 2015. Collection method: not provided. Allele origin: germline. Inheritance: Autosomal recessive inheritance. Affected: yes.

Genetic Services Laboratory, University of Chicago
Classification: Likely benign for AllHighlyPenetrant. Review status: no assertion criteria provided. Collection method: clinical testing. Allele origin: germline. Inheritance: Autosomal dominant inheritance. Not counted in ClinVar's aggregate classification.
Comment: Likely benign based on allele frequency in 1000 Genomes Project or ESP global frequency and its presence in a patient with a rare or unrelated disease phenotype. NOT Sanger confirmed.

Literature cited by the submitters: PubMed 9792554 (cited by Illumina Laboratory Services, Illumina).

NM_138711.6(PPARG):c.-8-28078C>G

Gene: PPARG (peroxisome proliferator activated receptor gamma; plus strand). Cytogenetic location: 3p25.2.
Variant type: single nucleotide variant.
Coding change: c.-8-28078C>G on transcript NM_138711.6 (MANE Select); 28078 bases into the intron before 8 bases upstream of the start codon, C replaced by G.
Molecular consequence: intron variant. On other transcripts: missense variant (3).
Genome position (GRCh38, 1-based): chr3:12,351,626, C>G. VCF-style: chr3-12351626-C-G. GRCh37 (hg19) VCF-style: chr3-12393125-C-G.
Other names: c.34C>G, p.Pro12Ala (NM_001354668.2, NM_001374265.1, NM_015869.5); c.-8-28078C>G (NM_001354666.3, NM_138712.5, NM_005037.7 and 5 more transcripts); c.-435-28078C>G (NM_001354669.2); c.-9+6732C>G (NM_001374262.3); c.-2-28078C>G (NM_001374266.1, NM_001354670.2); short protein forms P12A.
Identifiers: ClinVar variation 130019 (VCV000130019.23), dbSNP rs1801282, ClinGen allele CA154763.